The following is an entry in ClinVar:

ClinVar aggregate classification (germline): Pathogenic (1 of 4 stars; one submission).

Conditions:
Von Hippel-Lindau syndrome (VHLS). Also called: von Hippel–Lindau syndrome; VHL syndrome; Von Hippel-Lindau. Identifiers: Orphanet 892, MedGen C0019562, MONDO:0008667, OMIM 193300. Disease mechanism: loss of function.
Chuvash polycythemia. Also called: POLYCYTHEMIA, VHL-DEPENDENT. Identifiers: Orphanet 238557, MedGen C1837915, MONDO:0009892, OMIM 263400.

Submission:

Labcorp Genetics (formerly Invitae), Labcorp
Classification: Pathogenic for Von Hippel-Lindau syndrome; Chuvash polycythemia. Last evaluated: 2020-11-04. Review status: criteria provided, single submitter. Criteria: Invitae Variant Classification Sherloc (09022015). Collection method: clinical testing. Allele origin: germline.
Comment: This variant has not been reported in the literature in individuals with VHL-related conditions. For these reasons, this variant has been classified as Pathogenic. This variant disrupts the C-terminus of the VHL protein. Other variant(s) that disrupt this region (p.Ser183*) have been determined to be pathogenic (PMID: 8707293, 10567493, 11309459). This suggests that variants that disrupt this region of the protein are likely to be causative of disease. This variant is not present in population databases (ExAC no frequency). This sequence change results in a premature translational stop signal in the VHL gene (p.Leu169Profs*5). While this is not anticipated to result in nonsense mediated decay, it is expected to disrupt the last 45 amino acids of the VHL protein.

Literature cited by the submitters: PubMed 8707293; PubMed 10567493; PubMed 11309459.

NM_000551.4(VHL):c.505dup (p.Leu169fs)

Genes: VHL (von Hippel-Lindau tumor suppressor; plus strand), LOC107303340 (3p25 von Hippel-Lindau tumor suppressor, E3 ubiquitin protein ligase Alu-mediated recombination region; plus strand). Cytogenetic location: 3p25.3.
Variant type: Duplication.
Coding change: c.505dup on transcript NM_000551.4 (MANE Select); coding-DNA position 505, one base duplicated (C; older notation c.505dupC).
Protein change: p.Leu169fs; shifts the reading frame from leucine 169.
Molecular consequence: frameshift variant. On other transcripts: 3 prime UTR variant (1).
Genome position (GRCh38, 1-based): chr3:10,149,828, C duplicated; the last of 2 consecutive C bases (chr3:10,149,827-10,149,828); duplicating either gives the same sequence. VCF-style (leftmost placement, unchanged base first): chr3-10149826-G-GC. GRCh37 (hg19) VCF-style: chr3-10191510-G-GC.
Other names: c.*59dup (NM_001354723.2); c.382dup, p.Leu128fs (NM_198156.3); short protein forms L169fs, L128fs.
Identifiers: ClinVar variation 952355 (VCV000952355.10), dbSNP rs1696357569, ClinGen allele CA1139655762.